The following is an entry in ClinVar:

ClinVar aggregate classification (germline): Benign. Review status: criteria provided, multiple submitters, no conflicts (2 of 4 stars). 2 submissions from 2 submitters: Benign (2). Last evaluated 2018-06-14.

Allele frequency attached by ClinVar (database versions not stated): TOPMed 0.99927; 1000 Genomes Project 30x 0.99969; 1000 Genomes Project 0.99980; gnomAD exomes 0.99991.
gnomAD v4.1: 995,596 of 995,776 alleles (100%); highest among the groups gnomAD compares: Middle Eastern, 100%; 497,710 homozygotes.

Submissions (2):

GeneDx
Classification: Benign. Last evaluated: 2018-06-14. Review status: criteria provided, single submitter. Criteria: GeneDx Variant Classification (06012015). Collection method: clinical testing. Allele origin: germline. Affected: yes.
Comment: This variant is considered likely benign or benign based on one or more of the following criteria: it is a conservative change, it occurs at a poorly conserved position in the protein, it is predicted to be benign by multiple in silico algorithms, and/or has population frequency not consistent with disease.

Breakthrough Genomics
Classification: Benign. Review status: criteria provided, single submitter. Criteria: ACMG Guidelines, 2015. Collection method: not provided. Allele origin: germline. Inheritance: Autosomal dominant inheritance. Affected: yes.

NM_000088.4(COL1A1):c.2235+118T>C

Gene: COL1A1 (collagen type I alpha 1 chain; minus strand). Cytogenetic location: 17q21.33.
Variant type: single nucleotide variant.
Coding change: c.2235+118T>C on transcript NM_000088.4 (MANE Select); 118 bases into the intron after coding-DNA position 2235, T replaced by C.
Molecular consequence: intron variant.
Genome position (GRCh38, 1-based): chr17:50,191,265, A>G on the plus strand (T>C on the coding strand, the complement: COL1A1 is on the minus strand). VCF-style: chr17-50191265-A-G. GRCh37 (hg19) VCF-style: chr17-48268626-A-G.
Identifiers: ClinVar variation 674806 (VCV000674806.2), dbSNP rs2696246, ClinGen allele CA291543957.